The following is an entry in ClinVar:

ClinVar aggregate classification (germline): Uncertain significance (1 of 4 stars; one submission).

Conditions:
Mucopolysaccharidosis type 1. Also called: IDUA deficiency; MPS I; Mucopolysaccharidosis Type I. Identifiers: Orphanet 579, MedGen C0023786, MONDO:0001586.

Allele frequency attached by ClinVar (database versions not stated): TOPMed below 0.00001.

Submission:

Labcorp Genetics (formerly Invitae), Labcorp
Classification: Uncertain significance for Mucopolysaccharidosis type 1. Last evaluated: 2023-12-06. Review status: criteria provided, single submitter. Criteria: Invitae Variant Classification Sherloc (09022015). Collection method: clinical testing. Allele origin: germline.
Comment: This sequence change replaces isoleucine, which is neutral and non-polar, with threonine, which is neutral and polar, at codon 326 of the IDUA protein (p.Ile326Thr). This variant is not present in population databases (gnomAD no frequency). This variant has not been reported in the literature in individuals affected with IDUA-related conditions. ClinVar contains an entry for this variant (Variation ID: 526834). Advanced modeling of protein sequence and biophysical properties (such as structural, functional, and spatial information, amino acid conservation, physicochemical variation, residue mobility, and thermodynamic stability) performed at Invitae indicates that this missense variant is expected to disrupt IDUA protein function with a positive predictive value of 95%. In summary, the available evidence is currently insufficient to determine the role of this variant in disease. Therefore, it has been classified as a Variant of Uncertain Significance.

NM_000203.5(IDUA):c.977T>C (p.Ile326Thr)

Gene: IDUA (alpha-L-iduronidase; plus strand). Cytogenetic location: 4p16.3.
Variant type: single nucleotide variant.
Coding change: c.977T>C on transcript NM_000203.5 (MANE Select); coding-DNA position 977, T replaced by C.
Protein change: p.Ile326Thr; replaces isoleucine 326 with threonine.
Molecular consequence: missense variant. On other transcripts: non-coding transcript variant (1).
Genome position (GRCh38, 1-based): chr4:1,002,273, T>C. VCF-style: chr4-1002273-T-C. GRCh37 (hg19) VCF-style: chr4-996061-T-C.
Other names: c.581T>C, p.Ile194Thr (NM_001363576.1); short protein forms I326T, I194T.
Identifiers: ClinVar variation 526834 (VCV000526834.9), dbSNP rs1461992821, ClinGen allele CA355962928.
Genomic context (GRCh38, chr4:1,002,273, plus strand): 5'-GGGACAGGCGAGCGGTGGCCGCGCCACCCGGTCCCAGCTGCCCTGGACACCCGCAGGTCA[T>C]CGCGCAGCATCAGAACCTGCTACTGGCCAACACCACCTCCGCCTTCCCCTACGCGCTCCT-3'
Protein context (NP_000194.2, residues 316-336): VTYAAMVVKV[Ile326Thr]AQHQNLLLAN